The following is an entry in ClinVar:

NM_002880.4(RAF1):c.576A>G (p.Gln192=)

Gene: RAF1 (Raf-1 proto-oncogene, serine/threonine kinase; minus strand). Cytogenetic location: 3p25.2.
Variant type: single nucleotide variant.
Coding change: c.576A>G on transcript NM_002880.4 (MANE Select); coding-DNA position 576, A replaced by G.
Protein change: p.Gln192=; no amino-acid change (glutamine 192 retained).
Molecular consequence: synonymous variant. On other transcripts: non-coding transcript variant (3).
Genome position (GRCh38, 1-based): chr3:12,608,771, T>C on the plus strand (A>G on the coding strand, the complement: RAF1 is on the minus strand). VCF-style: chr3-12608771-T-C. GRCh37 (hg19) VCF-style: chr3-12650270-T-C.
Other names: p.Q192Q; p.Gln192=; c.576A>G, p.Gln192= (NM_001354689.3, NM_001354690.3, NM_001354693.3); c.333A>G, p.Gln111= (NM_001354691.3, NM_001354692.3, NM_001354694.3 and 1 more transcripts).
Identifiers: ClinVar variation 40597 (VCV000040597.64), dbSNP rs148759910, ClinGen allele CA134740.
Genomic context (GRCh38, chr3:12,608,771, plus strand): 5'-AAAGTATGTATACTCCTCATCCCTATCTTCCTTGGATAAAAGAACAATGCCTTACAAGAG[T>C]TGTCTGATGTTACTCCAGTCCACACACATAGTAGGTACTTTGGTGCTACAGTGCTCATGA-3'
Protein context (NP_002871.1, residues 182-202): TMCVDWSNIR[Gln192=]LLLFPNSTIG

ClinVar aggregate classification (germline): Benign/Likely benign. Review status: criteria provided, multiple submitters, no conflicts (2 of 4 stars). 12 submissions from 12 submitters: Benign (2); Likely benign (8). 2 of the submissions do not count toward it. Last evaluated 2026-01-17.

Conditions:
Noonan syndrome and Noonan-related syndrome. Identifiers: Orphanet 98733, MedGen C5681679, MONDO:0020297.
Cardiovascular phenotype. Identifiers: MedGen CN230736.
RASopathy. Also called: rasopathies; Noonan spectrum disorder. Identifiers: Orphanet 536391, MedGen C5555857, MONDO:0021060.

Allele frequency attached by ClinVar (database versions not stated): ExAC 0.00013; gnomAD 0.00015 and 0.00016; gnomAD exomes 0.00016 and 0.00029; TOPMed 0.00016; ESP Exome Variant Server 0.00031.
gnomAD v4.1: 444 of 1,613,856 alleles (0.028%); highest among the groups gnomAD compares: Non-Finnish European, 0.036%; no homozygotes.

Submissions (12):

Labcorp Genetics (formerly Invitae), Labcorp
Classification: Likely benign for RASopathy. Last evaluated: 2026-01-17. Review status: criteria provided, single submitter. Criteria: Invitae Variant Classification Sherloc (09022015). Collection method: clinical testing. Allele origin: germline.

Molecular Diagnostic Laboratory for Inherited Cardiovascular Disease, Montreal Heart Institute
Classification: Likely benign. Last evaluated: 2025-04-09. Review status: criteria provided, single submitter. Criteria: ACMG Guidelines, 2015. Collection method: clinical testing. Allele origin: germline. Affected: no.
Comment: BP6;BP7

Mayo Clinic Laboratories, Mayo Clinic
Classification: Likely benign. Last evaluated: 2025-03-05. Review status: criteria provided, single submitter. Criteria: ACMG Guidelines, 2015. Collection method: clinical testing. Allele origin: germline. Observed: 2 variant alleles.
Comment: BP4, BP7

Blueprint Genetics
Classification: Likely benign. Last evaluated: 2024-08-22. Review status: criteria provided, single submitter. Criteria: ACMG Guidelines, 2015. Collection method: clinical testing. Allele origin: germline.

CeGaT Center for Human Genetics Tuebingen
Classification: Likely benign. Last evaluated: 2024-07-01. Review status: criteria provided, single submitter. Criteria: CeGaT Center For Human Genetics Tuebingen Variant Classification Criteria Version 2. Collection method: clinical testing. Allele origin: germline. Affected: yes. Observed: 2 variant alleles.
Comment: RAF1: BP4, BP7

Women's Health and Genetics/Laboratory Corporation of America, LabCorp
Classification: Benign. Last evaluated: 2022-09-24. Review status: criteria provided, single submitter. Criteria: LabCorp Variant Classification Summary - May 2015. Collection method: clinical testing. Allele origin: germline.

Genome Diagnostics Laboratory, The Hospital for Sick Children
Classification: Likely benign for Noonan syndrome and Noonan-related syndrome. Last evaluated: 2017-02-21. Review status: criteria provided, single submitter. Criteria: ACMG Guidelines, 2015. Collection method: clinical testing. Allele origin: germline.

Ambry Genetics
Classification: Likely benign for Cardiovascular phenotype. Last evaluated: 2015-06-10. Review status: criteria provided, single submitter. Criteria: Ambry Variant Classification Scheme 2023. Collection method: clinical testing. Allele origin: germline.

GeneDx
Classification: Benign. Last evaluated: 2015-03-03. Review status: criteria provided, single submitter. Criteria: GeneDx Variant Classification Process June 2021. Collection method: clinical testing. Allele origin: germline. Affected: yes.

Laboratory for Molecular Medicine, Mass General Brigham Personalized Medicine
Classification: Likely benign. Last evaluated: 2015-01-02. Review status: criteria provided, single submitter. Criteria: LMM Criteria. Collection method: clinical testing. Allele origin: germline. Observed: 3 variant alleles.
Comment: p.Gln192Gln in exon 5 of RAF1: This variant is not expected to have clinical sig nificance because it does not alter an amino acid residue and is not located nea r a splice junction. It has been identified in 16/67622 of European chromosomes by the Exome Aggregation Consortium (dbSNP rs1 48759910).

Clinical Genetics DNA and cytogenetics Diagnostics Lab, Erasmus MC, Erasmus Medical Center
Classification: Likely benign. Review status: no assertion criteria provided. Collection method: clinical testing. Allele origin: germline. Affected: yes. Study: VKGL Data-share Consensus. Not counted in ClinVar's aggregate classification.

Clinical Genetics, Academic Medical Center
Classification: Benign. Review status: no assertion criteria provided. Collection method: clinical testing. Allele origin: germline. Affected: yes. Study: VKGL Data-share Consensus. Not counted in ClinVar's aggregate classification.